The following is an entry in ClinVar:

NM_002460.4(IRF4):c.1036C>T (p.Arg346Trp)

Gene: IRF4 (interferon regulatory factor 4; plus strand). Cytogenetic location: 6p25.3.
Variant type: single nucleotide variant.
Coding change: c.1036C>T on transcript NM_002460.4 (MANE Select); coding-DNA position 1036, C replaced by T.
Protein change: p.Arg346Trp; replaces arginine 346 with tryptophan.
Molecular consequence: missense variant. On other transcripts: non-coding transcript variant (1).
Genome position (GRCh38, 1-based): chr6:401,714, C>T. VCF-style: chr6-401714-C-T. GRCh37 (hg19) VCF-style: chr6-401714-C-T.
Other names: c.1033C>T, p.Arg345Trp (NM_001195286.2); short protein forms R345W, R346W.
Identifiers: ClinVar variation 4710203 (VCV004710203.1).

ClinVar aggregate classification (germline): Uncertain significance (1 of 4 stars; one submission).

gnomAD v4.1: 5 of 1,614,078 alleles (0.00031%); highest among the groups gnomAD compares: East Asian, 0.0022%; no homozygotes.

Submission:

Labcorp Genetics (formerly Invitae), Labcorp
Classification: Uncertain significance. Last evaluated: 2025-08-12. Review status: criteria provided, single submitter. Criteria: Invitae Variant Classification Sherloc (09022015). Collection method: clinical testing. Allele origin: germline.
Comment: This sequence change replaces arginine, which is basic and polar, with tryptophan, which is neutral and slightly polar, at codon 346 of the IRF4 protein (p.Arg346Trp). This variant is present in population databases (no rsID available, gnomAD 0.006%). This variant has not been reported in the literature in individuals affected with IRF4-related conditions. An algorithm developed to predict the effect of missense changes on protein structure and function (PolyPhen-2) suggests that this variant is likely to be disruptive. In summary, the available evidence is currently insufficient to determine the role of this variant in disease. Therefore, it has been classified as a Variant of Uncertain Significance.